The following is an entry in ClinVar:

NM_006073.4(TRDN):c.1304C>A (p.Ala435Glu)

Gene: TRDN (triadin; minus strand). Cytogenetic location: 6q22.31.
Variant type: single nucleotide variant.
Coding change: c.1304C>A on transcript NM_006073.4 (MANE Select); coding-DNA position 1304, C replaced by A.
Protein change: p.Ala435Glu; replaces alanine 435 with glutamic acid.
Molecular consequence: missense variant.
Genome position (GRCh38, 1-based): chr6:123,366,152, G>T on the plus strand (C>A on the coding strand, the complement: TRDN is on the minus strand). VCF-style: chr6-123366152-G-T. GRCh37 (hg19) VCF-style: chr6-123687297-G-T.
Other names: c.1307C>A, p.Ala436Glu (NM_001251987.2); short protein forms A436E, A435E.
Identifiers: ClinVar variation 841543 (VCV000841543.13), dbSNP rs370712881, ClinGen allele CA3984014.
Genomic context (GRCh38, chr6:123,366,152, plus strand): 5'-ATAACTTATAGTTATGACATCTTTATCTTTAAGCTGCATTTACCTTTTTTAATTGAAACC[G>T]CACCAATCTCCTCTTTGGCTCGTTCAGTTTCTGCAAGTTCAGATATTAAAGGAATGAGAA-3'
Protein context (NP_006064.2, residues 425-445): KTERAKEEIG[Ala435Glu]VSIKKAVPGK

ClinVar aggregate classification (germline): Uncertain significance. Review status: criteria provided, multiple submitters, no conflicts (2 of 4 stars). 2 submissions from 2 submitters: Uncertain significance (2). Last evaluated 2024-10-25.

Conditions:
Catecholaminergic polymorphic ventricular tachycardia 1. Also called: VENTRICULAR TACHYCARDIA, CATECHOLAMINERGIC POLYMORPHIC, 1, WITH OR WITHOUT ATRIAL DYSFUNCTION AND/OR DILATED CARDIOMYOPATHY; VENTRICULAR TACHYCARDIA, STRESS-INDUCED POLYMORPHIC 1; RYR2-Related Catecholaminergic Polymorphic Ventricular Tachycardia. Identifiers: Orphanet 3286, MedGen C1631597, MONDO:0011484, OMIM 604772.
Cardiovascular phenotype. Identifiers: MedGen CN230736.

Allele frequency attached by ClinVar (database versions not stated): TOPMed 0.00001.
gnomAD v4.1: 11 of 1,612,144 alleles (0.00068%); highest among the groups gnomAD compares: Admixed American, 0.013%; no homozygotes.

Submissions (2):

Labcorp Genetics (formerly Invitae), Labcorp
Classification: Uncertain significance for Catecholaminergic polymorphic ventricular tachycardia 1. Last evaluated: 2024-10-25. Review status: criteria provided, single submitter. Criteria: Invitae Variant Classification Sherloc (09022015). Collection method: clinical testing. Allele origin: germline.
Comment: This sequence change replaces alanine, which is neutral and non-polar, with glutamic acid, which is acidic and polar, at codon 435 of the TRDN protein (p.Ala435Glu). This variant is present in population databases (rs370712881, gnomAD 0.02%). This variant has not been reported in the literature in individuals affected with TRDN-related conditions. ClinVar contains an entry for this variant (Variation ID: 841543). Invitae Evidence Modeling of protein sequence and biophysical properties (such as structural, functional, and spatial information, amino acid conservation, physicochemical variation, residue mobility, and thermodynamic stability) indicates that this missense variant is not expected to disrupt TRDN protein function with a negative predictive value of 80%. In summary, the available evidence is currently insufficient to determine the role of this variant in disease. Therefore, it has been classified as a Variant of Uncertain Significance.

Ambry Genetics
Classification: Uncertain significance for Cardiovascular phenotype. Last evaluated: 2020-12-11. Review status: criteria provided, single submitter. Criteria: Ambry Variant Classification Scheme 2023. Collection method: clinical testing. Allele origin: germline.
Comment: The p.A435E variant (also known as c.1304C>A), located in coding exon 20 of the TRDN gene, results from a C to A substitution at nucleotide position 1304. The alanine at codon 435 is replaced by glutamic acid, an amino acid with dissimilar properties. This amino acid position is well conserved in available vertebrate species. In addition, this alteration is predicted to be tolerated by in silico analysis. Since supporting evidence is limited at this time, the clinical significance of this alteration remains unclear.